The following is an entry in ClinVar:

NM_001267550.2(TTN):c.81014_81016del (p.Ile27005del)

Genes: TTN (titin; minus strand), TTN-AS1 (TTN antisense RNA 1; plus strand). Cytogenetic location: 2q31.2.
Variant type: Deletion.
Coding change: c.81014_81016del on transcript NM_001267550.2 (MANE Select); coding-DNA positions 81014 to 81016, 3 bases deleted (TAA; older notation c.81014_81016delTAA).
Protein change: p.Ile27005del; deletes isoleucine 27005.
Molecular consequence: inframe deletion.
Genome position (GRCh38, 1-based): chr2:178,565,116-178,565,118, TTA deleted on the plus strand (TAA on the coding strand, the reverse complement: TTN is on the minus strand); deleting any 3 consecutive bases within chr2:178,565,116-178,565,120 gives the same sequence; the c. name uses the placement nearest the transcript's 3' end. VCF-style (leftmost placement, unchanged base first): chr2-178565115-CTTA-C. GRCh37 (hg19) VCF-style: chr2-179429842-CTTA-C.
Other names: c.76091_76093delTAA (NM_001256850.1); c.76091_76093del, p.Ile25364del (NM_001256850.1); c.53819_53821del, p.Ile17940del (NM_003319.4); c.73310_73312del, p.Ile24437del (NM_133378.4); c.54194_54196del, p.Ile18065del (NM_133432.3); c.54395_54397del, p.Ile18132del (NM_133437.4); short protein forms I25364del, I27005del, I18065del, I18132del, I24437del, I17940del.
Identifiers: ClinVar variation 202902 (VCV000202902.1), dbSNP rs794729509, ClinGen allele CA310638.
Genomic context (GRCh38, chr2:178,565,115, plus strand): 5'-GTTGCTGATACCATGTGCCAAGTGGTGGTGGTTGTATCTCGCTTCTCTACAATGTAGTTG[CTTA>C]TTTGGCAGCCACCAGTATAGGCTGGAGGTTCCCAAGATATGACTACAAAGTCTGCACTAA-3'

ClinVar aggregate classification (germline): not provided (0 of 4 stars; one submission).

Submission:

GeneDx
No classification provided. Last evaluated: 2014-03-14. Review status: no classification provided. Criteria: GeneDx Variant Classification (06012015). Collection method: clinical testing. Allele origin: germline. Affected: yes.
Comment: Missense variants in the TTN gene are considered 'unclassified' if they are not previously reported in the literature and do not have >1% frequency in the population to be considered a polymorphism. Research indicates that truncating mutations in the TTN gene are expected to account for approximately 25% of familial and 18% of sporadic idiopathic DCM; however, truncating variants in the TTN gene have been reported in approximately 3% of reported control alleles. There has been little investigation into non-truncating variants. (Herman D et al. Truncations of titin causing dilated cardiomyopathy. N Eng J Med 366:619-628, 2012) The variant is found in CARDIOMYOPATHY panel(s).